The following is an entry in ClinVar:

NM_001346754.2(PIGW):c.978G>T (p.Met326Ile)

Genes: MYO19 (myosin XIX; minus strand), PIGW (phosphatidylinositol glycan anchor biosynthesis class W; plus strand). Cytogenetic location: 17q12.
Variant type: single nucleotide variant.
Coding change: c.978G>T on transcript NM_001346754.2 (MANE Select); coding-DNA position 978, G replaced by T.
Protein change: p.Met326Ile; replaces methionine 326 with isoleucine.
Molecular consequence: missense variant.
Genome position (GRCh38, 1-based): chr17:36,538,079, G>T. VCF-style: chr17-36538079-G-T. GRCh37 (hg19) VCF-style: chr17-34893928-G-T.
Other names: c.978G>T, p.Met326Ile (NM_001346755.2, NM_178517.5); short protein forms M326I.
Identifiers: ClinVar variation 1352763 (VCV001352763.5), dbSNP rs1367171449, ClinGen allele CA399163986.

ClinVar aggregate classification (germline): Uncertain significance (1 of 4 stars; one submission).

Conditions:
Hyperphosphatasia with intellectual disability syndrome 5 (GPIBD11). Also called: GLYCOSYLPHOSPHATIDYLINOSITOL BIOSYNTHESIS DEFECT 11. Identifiers: Orphanet 247262, MedGen C4014958, MONDO:0014457, OMIM 616025.

Allele frequency attached by ClinVar (database versions not stated): gnomAD exomes below 0.00001; gnomAD 0.00001; TOPMed 0.00002.
gnomAD v4.1: 3 of 1,614,050 alleles (0.00019%); highest among the groups gnomAD compares: African/African-American, 0.004%; no homozygotes.

Submission:

Labcorp Genetics (formerly Invitae), Labcorp
Classification: Uncertain significance for Hyperphosphatasia with intellectual disability syndrome 5. Last evaluated: 2021-08-27. Review status: criteria provided, single submitter. Criteria: Invitae Variant Classification Sherloc (09022015). Collection method: clinical testing. Allele origin: germline.
Comment: This sequence change replaces methionine with isoleucine at codon 326 of the PIGW protein (p.Met326Ile). The methionine residue is weakly conserved and there is a small physicochemical difference between methionine and isoleucine. This variant is not present in population databases (ExAC no frequency). This variant has not been reported in the literature in individuals affected with PIGW-related conditions. Algorithms developed to predict the effect of missense changes on protein structure and function output the following: SIFT: "Tolerated"; PolyPhen-2: "Benign"; Align-GVGD: "Class C0". The isoleucine amino acid residue is found in multiple mammalian species, which suggests that this missense change does not adversely affect protein function. In summary, the available evidence is currently insufficient to determine the role of this variant in disease. Therefore, it has been classified as a Variant of Uncertain Significance.